The following is an entry in ClinVar:

ClinVar aggregate classification (germline): Uncertain significance. Review status: criteria provided, single submitter (1 of 4 stars). 2 submissions from 2 submitters: Uncertain significance (1). 1 of the submissions does not count toward it. Last evaluated 2024-09-19.

Conditions:
Hereditary cancer-predisposing syndrome. Also called: Neoplastic Syndromes, Hereditary; Tumor predisposition; Hereditary neoplastic syndrome; Hereditary Cancer Syndrome. Identifiers: Orphanet 140162, MedGen C0027672, MeSH D009386, MONDO:0015356.
Prostate cancer, hereditary, 1 (HPC1). Identifiers: Orphanet 1331, MedGen C4722327, MONDO:0011098, OMIM 601518.

Submissions (2):

Ambry Genetics
Classification: Uncertain significance for Hereditary cancer-predisposing syndrome. Last evaluated: 2024-09-19. Review status: criteria provided, single submitter. Criteria: Ambry Variant Classification Scheme 2023. Collection method: clinical testing. Allele origin: germline.
Comment: The p.A49D variant (also known as c.146C>A), located in coding exon 1 of the HOXB13 gene, results from a C to A substitution at nucleotide position 146. The alanine at codon 49 is replaced by aspartic acid, an amino acid with dissimilar properties. This amino acid position is conserved. In addition, this alteration is predicted to be tolerated by in silico analysis. Based on the available evidence, the clinical significance of this variant remains unclear.

Laboratory of Virology, Microbiology,  Quality and Medical Biotechnologies, Faculty of Sciences and Techniques - Mohammedia, Hassan II University of Casablanca
Classification: Uncertain significance for Prostate cancer, hereditary, 1. Review status: no assertion criteria provided. Collection method: clinical testing. Allele origin: somatic. Affected: yes. Not counted in ClinVar's aggregate classification.

NM_006361.6(HOXB13):c.146C>A (p.Ala49Asp)

Gene: HOXB13 (homeobox B13; minus strand). Cytogenetic location: 17q21.32.
Variant type: single nucleotide variant.
Coding change: c.146C>A on transcript NM_006361.6 (MANE Select); coding-DNA position 146, C replaced by A.
Protein change: p.Ala49Asp; replaces alanine 49 with aspartic acid.
Molecular consequence: missense variant.
Genome position (GRCh38, 1-based): chr17:48,728,448, G>T on the plus strand (C>A on the coding strand, the complement: HOXB13 is on the minus strand). VCF-style: chr17-48728448-G-T. GRCh37 (hg19) VCF-style: chr17-46805810-G-T.
Other names: short protein forms A49D.
Identifiers: ClinVar variation 690551 (VCV000690551.3), dbSNP rs1597935024, ClinGen allele CA400109123.